The following is an entry in ClinVar:

NM_001242896.3(DEPDC5):c.695-1G>T

Gene: DEPDC5 (DEP domain containing 5, GATOR1 subcomplex subunit; plus strand). Cytogenetic location: 22q12.2.
Variant type: single nucleotide variant.
Coding change: c.695-1G>T on transcript NM_001242896.3 (MANE Select); the canonical splice acceptor site of the intron before coding-DNA position 695, G replaced by T.
Molecular consequence: splice acceptor variant.
Genome position (GRCh38, 1-based): chr22:31,792,744, G>T. VCF-style: chr22-31792744-G-T. GRCh37 (hg19) VCF-style: chr22-32188730-G-T.
Other names: c.695-1G>T (NM_001364318.2, NM_001136029.4, NM_014662.6 and 7 more transcripts); c.611-1G>T (NM_001369902.1, NM_001369901.1).
Identifiers: ClinVar variation 1300546 (VCV001300546.7), dbSNP rs1265464096, ClinGen allele CA411288743.

ClinVar aggregate classification (germline): Pathogenic/Likely pathogenic. Review status: criteria provided, multiple submitters, no conflicts (2 of 4 stars). 2 submissions from 2 submitters: Pathogenic (1); Likely pathogenic (1). Last evaluated 2025-03-03.

Conditions:
Familial focal epilepsy with variable foci (FPEVF). Identifiers: Orphanet 98820, MedGen C1858477, MONDO:0020310.

Allele frequency attached by ClinVar (database versions not stated): TOPMed below 0.00001; gnomAD 0.00001.

Submissions (2):

GeneDx
Classification: Pathogenic. Last evaluated: 2025-03-03. Review status: criteria provided, single submitter. Criteria: GeneDx Variant Classification Process June 2021. Collection method: clinical testing. Allele origin: germline. Affected: yes.
Comment: Canonical splice site variant predicted to result in a null allele in a gene for which loss of function is a known mechanism of disease; Not observed at significant frequency in large population cohorts (gnomAD); Has not been previously published as pathogenic or benign to our knowledge

Labcorp Genetics (formerly Invitae), Labcorp
Classification: Likely pathogenic for Familial focal epilepsy with variable foci. Last evaluated: 2022-05-06. Review status: criteria provided, single submitter. Criteria: Invitae Variant Classification Sherloc (09022015). Collection method: clinical testing. Allele origin: germline.
Comment: In summary, the currently available evidence indicates that the variant is pathogenic, but additional data are needed to prove that conclusively. Therefore, this variant has been classified as Likely Pathogenic. Algorithms developed to predict the effect of sequence changes on RNA splicing suggest that this variant may disrupt the consensus splice site. ClinVar contains an entry for this variant (Variation ID: 1300546). This variant has not been reported in the literature in individuals affected with DEPDC5-related conditions. This variant is not present in population databases (gnomAD no frequency). This sequence change affects an acceptor splice site in intron 11 of the DEPDC5 gene. It is expected to disrupt RNA splicing. Variants that disrupt the donor or acceptor splice site typically lead to a loss of protein function (PMID: 16199547), and loss-of-function variants in DEPDC5 are known to be pathogenic (PMID: 23542697, 23542701).

Literature cited by the submitters: PubMed 16199547 (cited by Labcorp Genetics (formerly Invitae), Labcorp); PubMed 23542697 (cited by Labcorp Genetics (formerly Invitae), Labcorp); PubMed 23542701 (cited by Labcorp Genetics (formerly Invitae), Labcorp).